The following is an entry in ClinVar:

NM_001127222.2(CACNA1A):c.2982_2987dup (p.Gly995_Pro996dup)

Gene: CACNA1A (calcium voltage-gated channel subunit alpha1 A; minus strand). Cytogenetic location: 19p13.13.
Variant type: Duplication.
Coding change: c.2982_2987dup on transcript NM_001127222.2 (MANE Select); coding-DNA positions 2982 to 2987, 6 bases duplicated (GGGCCC; older notation c.2982_2987dupGGGCCC).
Protein change: p.Gly995_Pro996dup.
Molecular consequence: inframe insertion.
Genome position (GRCh38, 1-based): chr19:13,298,646-13,298,651, GGGCCC duplicated on the plus strand (GGGCCC on the coding strand, the reverse complement: CACNA1A is on the minus strand). VCF-style (leftmost placement, unchanged base first): chr19-13298645-G-GGGGCCC. GRCh37 (hg19) VCF-style: chr19-13409459-G-GGGGCCC.
Other names: c.2994_2999dup, p.Gly999_Pro1000dup (NM_000068.4, NM_023035.3); c.2985_2990dup, p.Gly996_Pro997dup (NM_001127221.2, NM_001174080.2); c.2985_2990dupGGGCCC (NM_001127221.1); c.2985_2990dup (NM_001127221.1).
Identifiers: ClinVar variation 419897 (VCV000419897.51), dbSNP rs995883431, ClinGen allele CA16620789.
Genomic context (GRCh38, chr19:13,298,645, plus strand): 5'-GTCCCCCTCGTACGTGGCTGGAGCGCCATGCCGGTGCCTTCTCCTGCGCTCGCCCCCGTC[G>GGGGCCC]GGGCCCTCGCCCTCGCCCTCGCCGCCCCGGGCCGGCCGGCTGCCCTCGCGGTGCCGCGCC-3'

ClinVar aggregate classification (germline): Uncertain significance. Review status: criteria provided, multiple submitters, no conflicts (2 of 4 stars). 3 submissions from 3 submitters: Uncertain significance (3). Last evaluated 2026-07-22.

Conditions:
Developmental and epileptic encephalopathy, 42 (DEE42A). Also called: DEVELOPMENTAL AND EPILEPTIC ENCEPHALOPATHY 42A; EPILEPTIC ENCEPHALOPATHY, EARLY INFANTILE, 42A; Epileptic encephalopathy, early infantile, 42. Identifiers: MedGen C4310716, MONDO:0014917, OMIM 617106.
Episodic ataxia type 2 (EA2). Also called: ATAXIA, EPISODIC, WITH NYSTAGMUS; ATAXIA, FAMILIAL PAROXYSMAL; CEREBELLAR ATAXIA, PAROXYSMAL, ACETAZOLAMIDE-RESPONSIVE; CEREBELLOPATHY, HEREDITARY PAROXYSMAL; ACETAZOLAMIDE-RESPONSIVE HEREDITARY PAROXYSMAL CEREBELLAR ATAXIA; EPISODIC ATAXIA, NYSTAGMUS-ASSOCIATED. Identifiers: Orphanet 97, MedGen C1720416, MONDO:0007163, OMIM 108500.

Allele frequency attached by ClinVar (database versions not stated): gnomAD exomes 0.00002; TOPMed 0.00002; gnomAD 0.00003 and 0.00004.

Submissions (3):

GeneDx
Classification: Uncertain significance. Last evaluated: 2026-07-22. Review status: criteria provided, single submitter. Criteria: GeneDx Variant Classification Process June 2021. Collection method: clinical testing. Allele origin: germline.
Comment: In-frame duplication of 2 amino acids in a non-repeat region; Has not been previously published as pathogenic or benign to our knowledge

Labcorp Genetics (formerly Invitae), Labcorp
Classification: Uncertain significance for Developmental and epileptic encephalopathy, 42; Episodic ataxia type 2. Last evaluated: 2024-10-20. Review status: criteria provided, single submitter. Criteria: Invitae Variant Classification Sherloc (09022015). Collection method: clinical testing. Allele origin: germline.
Comment: This variant, c.2985_2990dup, results in the insertion of 2 amino acid(s) of the CACNA1A protein (p.Gly996_Pro997dup), but otherwise preserves the integrity of the reading frame. This variant is not present in population databases (gnomAD no frequency). This variant has not been reported in the literature in individuals affected with CACNA1A-related conditions. ClinVar contains an entry for this variant (Variation ID: 419897). Experimental studies and prediction algorithms are not available or were not evaluated, and the functional significance of this variant is currently unknown. In summary, the available evidence is currently insufficient to determine the role of this variant in disease. Therefore, it has been classified as a Variant of Uncertain Significance.

CeGaT Center for Human Genetics Tuebingen
Classification: Uncertain significance. Last evaluated: 2019-03-01. Review status: criteria provided, single submitter. Criteria: CeGaT Center For Human Genetics Tuebingen Variant Classification Criteria Version 2. Collection method: clinical testing. Allele origin: germline. Affected: yes. Observed: 2 variant alleles.